The following is an entry in ClinVar:

ClinVar aggregate classification (germline): Conflicting classifications of pathogenicity. Review status: criteria provided, conflicting classifications (1 of 4 stars). 2 submissions from 2 submitters: Uncertain significance (1); Likely benign (1). Last evaluated 2026-01-28.

Conditions:
Diastrophic dysplasia (DTD). Also called: Diastrophic dwarfism. Identifiers: Orphanet 628, MedGen C0220726, MONDO:0009107, OMIM 222600.
Multiple epiphyseal dysplasia type 4 (EDM4). Also called: MULTIPLE EPIPHYSEAL DYSPLASIA WITH BILAYERED PATELLAE; MULTIPLE EPIPHYSEAL DYSPLASIA WITH CLUBFOOT; MULTIPLE EPIPHYSEAL DYSPLASIA, AUTOSOMAL RECESSIVE; Multiple Epiphyseal Dysplasia, Recessive; SLC26A2-Related Multiple Epiphyseal Dysplasia. Identifiers: Orphanet 93307, MedGen C1847593, MONDO:0009189, OMIM 226900.
Atelosteogenesis type II (AO2). Also called: NEONATAL OSSEOUS DYSPLASIA I; Neonatal osseous dysplasia 1; SLC26A2-Related Atelosteogenesis. Identifiers: Orphanet 56304, MedGen C1850554, MONDO:0009727, OMIM 256050.
Achondrogenesis, type IB (ACG1B). Also called: Achondrogenesis Type 1B. Identifiers: Orphanet 932, Orphanet 93298, MedGen C0265274, MONDO:0010966, OMIM 600972.

Allele frequency attached by ClinVar (database versions not stated): gnomAD exomes 0.00004 and 0.00012; ExAC 0.00017; gnomAD 0.00042 and 0.00044; TOPMed 0.00045; ESP Exome Variant Server 0.00054.

Submissions (2):

Labcorp Genetics (formerly Invitae), Labcorp
Classification: Likely benign for Atelosteogenesis type II; Multiple epiphyseal dysplasia type 4; Achondrogenesis, type IB; Diastrophic dysplasia. Last evaluated: 2026-01-28. Review status: criteria provided, single submitter. Criteria: Invitae Variant Classification Sherloc (09022015). Collection method: clinical testing. Allele origin: germline.

GeneDx
Classification: Uncertain significance. Last evaluated: 2021-03-01. Review status: criteria provided, single submitter. Criteria: GeneDx Variant Classification Process June 2021. Collection method: clinical testing. Allele origin: germline. Affected: yes.
Comment: In silico analysis supports that this missense variant does not alter protein structure/function; Has not been previously published as pathogenic or benign to our knowledge

NM_000112.4(SLC26A2):c.893A>G (p.His298Arg)

Gene: SLC26A2 (solute carrier family 26 member 2; plus strand). Cytogenetic location: 5q32.
Variant type: single nucleotide variant.
Coding change: c.893A>G on transcript NM_000112.4 (MANE Select); coding-DNA position 893, A replaced by G.
Protein change: p.His298Arg; replaces histidine 298 with arginine.
Molecular consequence: missense variant.
Genome position (GRCh38, 1-based): chr5:149,980,486, A>G. VCF-style: chr5-149980486-A-G. GRCh37 (hg19) VCF-style: chr5-149360049-A-G.
Other names: short protein forms H298R.
Identifiers: ClinVar variation 1093735 (VCV001093735.10), dbSNP rs115111282, ClinGen allele CA3505349.